The following is an entry in ClinVar:

ClinVar aggregate classification (germline): Uncertain significance. Review status: criteria provided, multiple submitters, no conflicts (2 of 4 stars). 2 submissions from 2 submitters: Uncertain significance (2). Last evaluated 2023-07-12.

Allele frequency attached by ClinVar (database versions not stated): gnomAD exomes below 0.00001; gnomAD 0.00001; TOPMed 0.00001.
gnomAD v4.1: 5 of 1,613,832 alleles (0.00031%); highest among the groups gnomAD compares: Non-Finnish European, 0.00042%; no homozygotes.

Submissions (2):

Greenwood Genetic Center Diagnostic Laboratories, Greenwood Genetic Center
Classification: Uncertain significance. Last evaluated: 2023-07-12. Review status: criteria provided, single submitter. Criteria: ACMG Guidelines, 2015. Collection method: clinical testing. Allele origin: germline. Affected: yes.
Comment: PM2

CeGaT Center for Human Genetics Tuebingen
Classification: Uncertain significance. Last evaluated: 2022-01-01. Review status: criteria provided, single submitter. Criteria: CeGaT Center For Human Genetics Tuebingen Variant Classification Criteria Version 2. Collection method: clinical testing. Allele origin: germline. Affected: yes. Observed: 1 variant allele.

NM_001733.7(C1R):c.1926C>G (p.His642Gln)

Gene: C1R (complement C1r; minus strand). Cytogenetic location: 12p13.31.
Variant type: single nucleotide variant.
Coding change: c.1926C>G on transcript NM_001733.7 (MANE Select); coding-DNA position 1926, C replaced by G.
Protein change: p.His642Gln; replaces histidine 642 with glutamine.
Molecular consequence: missense variant.
Genome position (GRCh38, 1-based): chr12:7,080,724, G>C on the plus strand (C>G on the coding strand, the complement: C1R is on the minus strand). VCF-style: chr12-7080724-G-C. GRCh37 (hg19) VCF-style: chr12-7188028-G-C.
Other names: c.1968C>G, p.His656Gln (NM_001354346.2); short protein forms H642Q, H656Q.
Identifiers: ClinVar variation 1675479 (VCV001675479.34), dbSNP rs1424171711, ClinGen allele CA383714720.